The following is an entry in ClinVar:

NM_001379500.1(COL18A1):c.1399-15G>A

Gene: COL18A1 (collagen type XVIII alpha 1 chain; plus strand). Cytogenetic location: 21q22.3.
Variant type: single nucleotide variant.
Coding change: c.1399-15G>A on transcript NM_001379500.1 (MANE Select); 15 bases into the intron before coding-DNA position 1399, G replaced by A.
Molecular consequence: intron variant.
Genome position (GRCh38, 1-based): chr21:45,480,452, G>A. VCF-style: chr21-45480452-G-A. GRCh37 (hg19) VCF-style: chr21-46900366-G-A.
Other names: c.2644-15G>A (NM_130444.3); c.1939-15G>A (NM_030582.4).
Identifiers: ClinVar variation 1350423 (VCV001350423.4), dbSNP rs1327932285, ClinGen allele CA638167690.

ClinVar aggregate classification (germline): Uncertain significance (1 of 4 stars; one submission).

Allele frequency attached by ClinVar (database versions not stated): gnomAD exomes below 0.00001.
gnomAD v4.1: 4 of 1,614,112 alleles (0.00025%); highest among the groups gnomAD compares: Non-Finnish European, 0.00025%; no homozygotes.

Submission:

Labcorp Genetics (formerly Invitae), Labcorp
Classification: Uncertain significance. Last evaluated: 2022-03-09. Review status: criteria provided, single submitter. Criteria: Invitae Variant Classification Sherloc (09022015). Collection method: clinical testing. Allele origin: germline.
Comment: This variant is present in population databases (no rsID available, gnomAD 0.004%). This sequence change falls in intron 11 of the COL18A1 gene. It does not directly change the encoded amino acid sequence of the COL18A1 protein. This variant has not been reported in the literature in individuals affected with COL18A1-related conditions. In summary, the available evidence is currently insufficient to determine the role of this variant in disease. Therefore, it has been classified as a Variant of Uncertain Significance. Algorithms developed to predict the effect of sequence changes on RNA splicing suggest that this variant may disrupt the consensus splice site.